The following is an entry in ClinVar:

ClinVar aggregate classification (germline): Uncertain significance. Review status: criteria provided, multiple submitters, no conflicts (2 of 4 stars). 3 submissions from 3 submitters: Uncertain significance (2). 1 of the submissions does not count toward it. Last evaluated 2025-03-31.

Conditions:
UNC80-related disorder. Also called: UNC80-related condition.
Inborn genetic diseases. Identifiers: MedGen C0950123, MeSH D030342.

Allele frequency attached by ClinVar (database versions not stated): gnomAD exomes 0.00001; TOPMed 0.00002; gnomAD 0.00003.
gnomAD v4.1: 18 of 1,551,786 alleles (0.0012%); highest among the groups gnomAD compares: African/African-American, 0.0041%; no homozygotes.

Submissions (3):

Labcorp Genetics (formerly Invitae), Labcorp
Classification: Uncertain significance. Last evaluated: 2025-03-31. Review status: criteria provided, single submitter. Criteria: Invitae Variant Classification Sherloc (09022015). Collection method: clinical testing. Allele origin: germline.
Comment: This sequence change replaces aspartic acid, which is acidic and polar, with histidine, which is basic and polar, at codon 3202 of the UNC80 protein (p.Asp3202His). This variant is present in population databases (no rsID available, gnomAD 0.01%). This variant has not been reported in the literature in individuals affected with UNC80-related conditions. ClinVar contains an entry for this variant (Variation ID: 1448104). Invitae Evidence Modeling of protein sequence and biophysical properties (such as structural, functional, and spatial information, amino acid conservation, physicochemical variation, residue mobility, and thermodynamic stability) indicates that this missense variant is not expected to disrupt UNC80 protein function with a negative predictive value of 80%. In summary, the available evidence is currently insufficient to determine the role of this variant in disease. Therefore, it has been classified as a Variant of Uncertain Significance.

Ambry Genetics
Classification: Uncertain significance for Inborn genetic diseases. Last evaluated: 2022-08-11. Review status: criteria provided, single submitter. Criteria: Ambry Variant Classification Scheme 2023. Collection method: clinical testing. Allele origin: germline.

PreventionGenetics, part of Exact Sciences
Classification: Uncertain significance for UNC80-related condition. Last evaluated: 2023-11-16. Review status: no assertion criteria provided. Collection method: clinical testing. Allele origin: germline. Not counted in ClinVar's aggregate classification.
Comment: The UNC80 c.9604G>C variant is predicted to result in the amino acid substitution p.Asp3202His. To our knowledge, this variant has not been reported in the literature. This variant is reported in 0.012% of alleles in individuals of African descent in gnomAD. At this time, the clinical significance of this variant is uncertain due to the absence of conclusive functional and genetic evidence.

NM_001371986.1(UNC80):c.9802G>C (p.Asp3268His)

Gene: UNC80 (unc-80 subunit of NALCN channel complex; plus strand). Cytogenetic location: 2q34.
Variant type: single nucleotide variant.
Coding change: c.9802G>C on transcript NM_001371986.1 (MANE Select); coding-DNA position 9802, G replaced by C.
Protein change: p.Asp3268His; replaces aspartic acid 3268 with histidine.
Molecular consequence: missense variant.
Genome position (GRCh38, 1-based): chr2:209,995,422, G>C. VCF-style: chr2-209995422-G-C. GRCh37 (hg19) VCF-style: chr2-210860146-G-C.
Other names: c.9604G>C, p.Asp3202His (NM_032504.2); c.9532G>C, p.Asp3178His (NM_182587.4); c.9604G>C (NM_032504.1); short protein forms D3178H, D3268H, D3202H.
Identifiers: ClinVar variation 1448104 (VCV001448104.10), dbSNP rs925960054, ClinGen allele CA64665977.